The following is an entry in ClinVar:

NM_003482.4(KMT2D):c.1134C>T (p.Gly378=)

Gene: KMT2D (lysine methyltransferase 2D; minus strand). Cytogenetic location: 12q13.12.
Variant type: single nucleotide variant.
Coding change: c.1134C>T on transcript NM_003482.4 (MANE Select); coding-DNA position 1134, C replaced by T.
Protein change: p.Gly378=; no amino-acid change (glycine 378 retained).
Molecular consequence: synonymous variant.
Genome position (GRCh38, 1-based): chr12:49,052,688, G>A on the plus strand (C>T on the coding strand, the complement: KMT2D is on the minus strand). VCF-style: chr12-49052688-G-A. GRCh37 (hg19) VCF-style: chr12-49446471-G-A.
Other names: c.1134C>T (NM_003482.3).
Identifiers: ClinVar variation 1421717 (VCV001421717.10), dbSNP rs376607419, ClinGen allele CA6548562.

ClinVar aggregate classification (germline): Benign/Likely benign. Review status: criteria provided, multiple submitters, no conflicts (2 of 4 stars). 3 submissions from 3 submitters: Benign (1); Likely benign (2). Last evaluated 2026-06-24.

Conditions:
KMT2D-related disorder. Also called: KMT2D-Related Disorders.
Kabuki syndrome. Also called: Kabuki make-up syndrome; NIIKAWA-KUROKI SYNDROME. Identifiers: Orphanet 2322, MedGen C0796004, MONDO:0016512.
Inborn genetic diseases. Identifiers: MedGen C0950123, MeSH D030342.

Allele frequency attached by ClinVar (database versions not stated): gnomAD exomes 0.00001 and 0.00003; TOPMed 0.00001; ExAC 0.00002; gnomAD 0.00003 and 0.00004; ESP Exome Variant Server 0.00008.
gnomAD v4.1: 48 of 1,613,472 alleles (0.003%); highest among the groups gnomAD compares: African/African-American, 0.004%; no homozygotes.

Submissions (3):

PreventionGenetics, part of Exact Sciences
Classification: Likely benign for KMT2D-related condition. Last evaluated: 2026-06-24. Review status: criteria provided, single submitter. Criteria: ACMG Guidelines, 2015. Collection method: clinical testing. Allele origin: germline.
Comment: This variant is classified as likely benign based on ACMG/AMP sequence variant interpretation guidelines (Richards et al. 2015 PMID: 25741868, with internal and published modifications).

Ambry Genetics
Classification: Likely benign for Inborn genetic diseases. Last evaluated: 2026-05-06. Review status: criteria provided, single submitter. Criteria: Ambry Variant Classification Scheme 2023. Collection method: clinical testing. Allele origin: germline.

Labcorp Genetics (formerly Invitae), Labcorp
Classification: Benign for Kabuki syndrome. Last evaluated: 2025-01-22. Review status: criteria provided, single submitter. Criteria: Invitae Variant Classification Sherloc (09022015). Collection method: clinical testing. Allele origin: germline.